The following is an entry in ClinVar:

NM_001754.5(RUNX1):c.1283T>G (p.Ile428Ser)

Gene: RUNX1 (RUNX family transcription factor 1; minus strand). Cytogenetic location: 21q22.12.
Variant type: single nucleotide variant.
Coding change: c.1283T>G on transcript NM_001754.5 (MANE Select); coding-DNA position 1283, T replaced by G.
Protein change: p.Ile428Ser; replaces isoleucine 428 with serine.
Molecular consequence: missense variant.
Genome position (GRCh38, 1-based): chr21:34,792,295, A>C on the plus strand (T>G on the coding strand, the complement: RUNX1 is on the minus strand). VCF-style: chr21-34792295-A-C. GRCh37 (hg19) VCF-style: chr21-36164592-A-C.
Other names: NM_001754.5(RUNX1):c.1283T>G; p.Ile428Ser; c.1202T>G, p.Ile401Ser (NM_001001890.3); short protein forms I401S, I428S.
Identifiers: ClinVar variation 2697441 (VCV002697441.5), dbSNP rs2145874020, ClinGen allele CA410147512.

ClinVar aggregate classification (germline): Uncertain significance. Review status: reviewed by expert panel (3 of 4 stars). 3 submissions from 3 submitters: Uncertain significance (1). 2 of the submissions do not count toward it. Last evaluated 2024-09-30.

Conditions:
Hereditary thrombocytopenia and hematological cancer predisposition syndrome associated with RUNX1. Also called: Familial Platelet Disorder with Propensity to Acute Myelogenous Leukemia; Familial thrombocytopenia with propensity to acute myelogenous leukemia; PLATELET DISORDER, ASPIRIN-LIKE; RUNX1 Familial Platelet Disorder with Associated Myeloid Malignancies. Identifiers: Orphanet 71290, MedGen C1832388, MeSH C563324, MONDO:0100083, OMIM 601399.
Inborn genetic diseases. Identifiers: MedGen C0950123, MeSH D030342.
Hereditary thrombocytopenia and hematologic cancer predisposition syndrome. Identifiers: Orphanet 71290, MedGen CN281654, MONDO:0011071.

Allele frequency attached by ClinVar (database versions not stated): gnomAD exomes below 0.00001.
gnomAD v4.1: 1 of 1,525,562 alleles (0.000066%); no homozygotes.

Submissions (3):

ClinGen Myeloid Malignancy Variant Curation Expert Panel
Classification: Uncertain significance for Hereditary thrombocytopenia and hematologic cancer predisposition syndrome. Last evaluated: 2024-09-30. Review status: reviewed by expert panel. Criteria: ClinGen MyeloMalig ACMG Specifications v2. Collection method: curation. Allele origin: germline. Inheritance: Autosomal dominant inheritance.
Comment: NM_001754.5(RUNX1):c.1283T>G (p.Ile428Ser) is a missense variant which has a REVEL score < 0.50 (0.315), and a SpliceAI score ≤ 0.20 (0.0) (BP4). This variant is completely absent from all population databases with at least 20x coverage for RUNX1 (PM2_Supporting). In summary, the clinical significance of this variant is uncertain. ACMG/AMP criteria applied, as specified by the Myeloid Malignancy Variant Curation Expert Panel for RUNX1: BP4, PM2_supporting.

Ambry Genetics
Classification: Uncertain significance for Inborn genetic diseases. Last evaluated: 2025-01-29. Review status: criteria provided, single submitter. Criteria: Ambry Variant Classification Scheme 2023. Collection method: clinical testing. Allele origin: germline. Not counted in ClinVar's aggregate classification.
Comment: The p.I428S variant (also known as c.1283T>G), located in coding exon 8 of the RUNX1 gene, results from a T to G substitution at nucleotide position 1283. The isoleucine at codon 428 is replaced by serine, an amino acid with dissimilar properties. This amino acid position is conserved. In addition, this alteration is predicted to be tolerated by in silico analysis. Based on the available evidence, the clinical significance of this variant remains unclear.

Labcorp Genetics (formerly Invitae), Labcorp
Classification: Uncertain significance for Hereditary thrombocytopenia and hematological cancer predisposition syndrome associated with RUNX1. Last evaluated: 2023-05-22. Review status: criteria provided, single submitter. Criteria: Invitae Variant Classification Sherloc (09022015). Collection method: clinical testing. Allele origin: germline. Not counted in ClinVar's aggregate classification.
Comment: This sequence change replaces isoleucine, which is neutral and non-polar, with serine, which is neutral and polar, at codon 428 of the RUNX1 protein (p.Ile428Ser). In summary, the available evidence is currently insufficient to determine the role of this variant in disease. Therefore, it has been classified as a Variant of Uncertain Significance. Advanced modeling of protein sequence and biophysical properties (such as structural, functional, and spatial information, amino acid conservation, physicochemical variation, residue mobility, and thermodynamic stability) has been performed at Invitae for this missense variant, however the output from this modeling did not meet the statistical confidence thresholds required to predict the impact of this variant on RUNX1 protein function. This variant has not been reported in the literature in individuals affected with RUNX1-related conditions. This variant is not present in population databases (gnomAD no frequency).